The following is an entry in ClinVar:

NM_000528.4(MAN2B1):c.1780C>T (p.Gln594Ter)

Gene: MAN2B1 (mannosidase alpha class 2B member 1; minus strand). Cytogenetic location: 19p13.13.
Variant type: single nucleotide variant.
Coding change: c.1780C>T on transcript NM_000528.4 (MANE Select); coding-DNA position 1780, C replaced by T.
Protein change: p.Gln594Ter; replaces glutamine 594 with a stop codon.
Molecular consequence: nonsense.
Genome position (GRCh38, 1-based): chr19:12,655,744, G>A on the plus strand (C>T on the coding strand, the complement: MAN2B1 is on the minus strand). VCF-style: chr19-12655744-G-A. GRCh37 (hg19) VCF-style: chr19-12766558-G-A.
Other names: c.1777C>T, p.Gln593Ter (NM_001173498.2); c.1783C>T, p.Gln595Ter (NM_001440570.1); short protein forms Q593*, Q594*, Q595*.
Identifiers: ClinVar variation 5012700 (VCV005012700.1).

ClinVar aggregate classification (germline): Pathogenic (1 of 4 stars; one submission).

Conditions:
Deficiency of alpha-mannosidase (MANSA). Also called: LYSOSOMAL ALPHA-D-MANNOSIDASE DEFICIENCY; Alpha-Mannosidosis; Mannosidosis, alpha-, types I and II. Identifiers: Orphanet 61, MedGen C0024748, MONDO:0009561, OMIM 248500.

Submission:

Myriad Genetics, Inc.
Classification: Pathogenic for Deficiency of alpha-mannosidase. Last evaluated: 2024-01-31. Review status: criteria provided, single submitter. Criteria: Myriad Autosomal Dominant, Autosomal Recessive and X-Linked Classification Criteria (2023). Collection method: clinical testing. Allele origin: unknown.
Comment: NM_000528.3(MAN2B1):c.1780C>T(Q594*) is expected to be pathogenic in the context of alpha-mannosidosis. This variant is predicted to lead to an abnormal or absent protein product due to the creation of a premature termination codon in MAN2B1, a gene where loss-of-function variants are known to be pathogenic. Please note: this variant was assessed in the context of healthy population screening.